The following is an entry in ClinVar:

NM_000368.5(TSC1):c.824A>C (p.Tyr275Ser)

Gene: TSC1 (TSC complex subunit 1; minus strand). Cytogenetic location: 9q34.13.
Variant type: single nucleotide variant.
Coding change: c.824A>C on transcript NM_000368.5 (MANE Select); coding-DNA position 824, A replaced by C.
Protein change: p.Tyr275Ser; replaces tyrosine 275 with serine.
Molecular consequence: missense variant. On other transcripts: 5 prime UTR variant (5), non-coding transcript variant (5).
Genome position (GRCh38, 1-based): chr9:132,912,371, T>G on the plus strand (A>C on the coding strand, the complement: TSC1 is on the minus strand). VCF-style: chr9-132912371-T-G. GRCh37 (hg19) VCF-style: chr9-135787758-T-G.
Other names: c.824A>C, p.Tyr275Ser (NM_001406600.1, NM_001406601.1, NM_001406602.1 and 16 more transcripts); c.461A>C, p.Tyr154Ser (NM_001406619.1, NM_001406620.1, NM_001406621.1 and 10 more transcripts); c.-128A>C (NM_001406626.1, NM_001406627.1, NM_001406628.1); c.-270A>C (NM_001406629.1, NM_001406630.1); c.671A>C, p.Tyr224Ser (NM_001162427.2, NM_001406610.1, NM_001406611.1 and 2 more transcripts); short protein forms Y154S, Y224S, Y275S.
Identifiers: ClinVar variation 3626652 (VCV003626652.2).

ClinVar aggregate classification (germline): Uncertain significance (1 of 4 stars; one submission).

Conditions:
Tuberous sclerosis 1 (TSC1). Identifiers: Orphanet 805, MedGen C1854465, MONDO:0008612, OMIM 191100.

Submission:

Labcorp Genetics (formerly Invitae), Labcorp
Classification: Uncertain significance for Tuberous sclerosis 1. Last evaluated: 2024-03-21. Review status: criteria provided, single submitter. Criteria: Invitae Variant Classification Sherloc (09022015). Collection method: clinical testing. Allele origin: germline.
Comment: This sequence change replaces tyrosine, which is neutral and polar, with serine, which is neutral and polar, at codon 275 of the TSC1 protein (p.Tyr275Ser). This variant is not present in population databases (gnomAD no frequency). This variant has not been reported in the literature in individuals affected with TSC1-related conditions. Advanced modeling of protein sequence and biophysical properties (such as structural, functional, and spatial information, amino acid conservation, physicochemical variation, residue mobility, and thermodynamic stability) performed at Invitae indicates that this missense variant is not expected to disrupt TSC1 protein function with a negative predictive value of 95%. In summary, the available evidence is currently insufficient to determine the role of this variant in disease. Therefore, it has been classified as a Variant of Uncertain Significance.